The following is an entry in ClinVar:

NM_016247.4(IMPG2):c.2635A>G (p.Ser879Gly)

Gene: IMPG2 (interphotoreceptor matrix proteoglycan 2; minus strand). Cytogenetic location: 3q12.3.
Variant type: single nucleotide variant.
Coding change: c.2635A>G on transcript NM_016247.4 (MANE Select); coding-DNA position 2635, A replaced by G.
Protein change: p.Ser879Gly; replaces serine 879 with glycine.
Molecular consequence: missense variant.
Genome position (GRCh38, 1-based): chr3:101,243,696, T>C on the plus strand (A>G on the coding strand, the complement: IMPG2 is on the minus strand). VCF-style: chr3-101243696-T-C. GRCh37 (hg19) VCF-style: chr3-100962540-T-C.
Other names: short protein forms S879G.
Identifiers: ClinVar variation 1044167 (VCV001044167.8), dbSNP rs1706435437, ClinGen allele CA353856259.
Genomic context (GRCh38, chr3:101,243,696, plus strand): 5'-AAGCTCCTGAAGTCTGGGTATAACTCAAGTCATCTCCTCCTTCTGTGGGCCAAGCCACAC[T>C]AACCATCTCTGTGGAGTGAACACTTGTTGACATTTCCACATAACTACCAACCTTGCCATT-3'
Protein context (NP_057331.2, residues 869-889): STSVHSTEMV[Ser879Gly]VAWPTEGGDD

ClinVar aggregate classification (germline): Uncertain significance (1 of 4 stars; one submission).

Submission:

Labcorp Genetics (formerly Invitae), Labcorp
Classification: Uncertain significance. Last evaluated: 2020-09-24. Review status: criteria provided, single submitter. Criteria: Invitae Variant Classification Sherloc (09022015). Collection method: clinical testing. Allele origin: germline.
Comment: In summary, the available evidence is currently insufficient to determine the role of this variant in disease. Therefore, it has been classified as a Variant of Uncertain Significance. Algorithms developed to predict the effect of missense changes on protein structure and function (SIFT, PolyPhen-2, Align-GVGD) all suggest that this variant is likely to be tolerated, but these predictions have not been confirmed by published functional studies and their clinical significance is uncertain. This variant has not been reported in the literature in individuals with IMPG2-related conditions. This variant is not present in population databases (ExAC no frequency). This sequence change replaces serine with glycine at codon 879 of the IMPG2 protein (p.Ser879Gly). The serine residue is weakly conserved and there is a small physicochemical difference between serine and glycine.